The following is an entry in ClinVar:

ClinVar aggregate classification (germline): Uncertain significance (1 of 4 stars; one submission).

Submission:

Ambry Genetics
Classification: Uncertain significance. Last evaluated: 2025-04-20. Review status: criteria provided, single submitter. Criteria: Ambry Variant Classification Scheme 2023. Collection method: clinical testing. Allele origin: germline.
Comment: The p.P1015A variant (also known as c.3043C>G), located in coding exon 11 of the WNK2 gene, results from a C to G substitution at nucleotide position 3043. The proline at codon 1015 is replaced by alanine, an amino acid with highly similar properties. This amino acid position is conserved. In addition, this alteration is predicted to be tolerated by in silico analysis. Based on the available evidence, the clinical significance of this variant remains unclear.

NM_006648.4(WNK2):c.3043C>G (p.Pro1015Ala)

Gene: WNK2 (WNK lysine deficient protein kinase 2; plus strand). Cytogenetic location: 9q22.31.
Variant type: single nucleotide variant.
Coding change: c.3043C>G on transcript NM_006648.4 (MANE Select); coding-DNA position 3043, C replaced by G.
Protein change: p.Pro1015Ala; replaces proline 1015 with alanine.
Molecular consequence: missense variant.
Genome position (GRCh38, 1-based): chr9:93,259,591, C>G. VCF-style: chr9-93259591-C-G. GRCh37 (hg19) VCF-style: chr9-96021873-C-G.
Other names: c.3043C>G, p.Pro1015Ala (NM_001282394.3); short protein forms P1015A.
Identifiers: ClinVar variation 3981926 (VCV003981926.1).